The following is an entry in ClinVar:

NM_144999.4(LRRC45):c.1674G>C (p.Leu558=)

Gene: LRRC45 (leucine rich repeat containing 45; plus strand). Cytogenetic location: 17q25.3.
Variant type: single nucleotide variant.
Coding change: c.1674G>C on transcript NM_144999.4 (MANE Select); coding-DNA position 1674, G replaced by C.
Protein change: p.Leu558=; no amino-acid change (leucine 558 retained).
Molecular consequence: synonymous variant.
Genome position (GRCh38, 1-based): chr17:82,030,324, G>C. VCF-style: chr17-82030324-G-C. GRCh37 (hg19) VCF-style: chr17-79988200-G-C.
Identifiers: ClinVar variation 3355589 (VCV003355589.2).

ClinVar aggregate classification (germline): Uncertain significance (1 of 4 stars; one submission).

Conditions:
LRRC45-related disorder. Also called: LRRC45-related condition.

gnomAD v4.1: 14 of 1,549,264 alleles (0.0009%); highest among the groups gnomAD compares: Admixed American, 0.027%; no homozygotes.

Submission:

PreventionGenetics, part of Exact Sciences
Classification: Uncertain significance for LRRC45-related condition. Last evaluated: 2026-03-03. Review status: criteria provided, single submitter. Criteria: ACMG Guidelines, 2015. Collection method: clinical testing. Allele origin: germline.
Comment: The LRRC45 c.1674G>C variant is not predicted to result in an amino acid change (p.=). This variant is predicted to alter splicing based on available splicing prediction programs (SpliceAI, Jaganathan et al. 2019. PubMed ID: 30661751). To our knowledge, this variant has not been reported in the literature. This variant is reported in 0.036% of alleles in individuals of Latino descent in gnomAD. At this time, the clinical significance of this variant is uncertain due to the absence of conclusive functional and genetic evidence.